The following is an entry in ClinVar:

NM_017780.4(CHD7):c.7930_7934del (p.Glu2644fs)

Gene: CHD7 (chromodomain helicase DNA binding protein 7; plus strand). Cytogenetic location: 8q12.2.
Variant type: Deletion.
Coding change: c.7930_7934del on transcript NM_017780.4 (MANE Select); coding-DNA positions 7930 to 7934, 5 bases deleted (GAAGA; older notation c.7930_7934delGAAGA).
Protein change: p.Glu2644fs; shifts the reading frame from glutamic acid 2644.
Molecular consequence: frameshift variant.
Genome position (GRCh38, 1-based): chr8:60,862,295-60,862,299, GAAGA deleted; deleting any 5 consecutive bases within chr8:60,862,293-60,862,299 gives the same sequence; the c. name uses the placement nearest the transcript's 3' end. VCF-style (leftmost placement, unchanged base first): chr8-60862292-GGAGAA-G. GRCh37 (hg19) VCF-style: chr8-61774851-GGAGAA-G.
Other names: c.1783_1787del, p.Glu595fs (NM_001316690.1); short protein forms E595fs, E2644fs.
Identifiers: ClinVar variation 2764436 (VCV002764436.3), dbSNP rs2488118453, ClinGen allele CA2697549941.

ClinVar aggregate classification (germline): Pathogenic (1 of 4 stars; one submission).

Conditions:
CHARGE syndrome (CHARGE). Also called: Hittner Hirsch Kreh syndrome; CHARGE ASSOCIATION--COLOBOMA, HEART ANOMALY, CHOANAL ATRESIA, RETARDATION, GENITAL AND EAR ANOMALIES; Coloboma, heart anomaly, choanal atresia, retardation, genital and ear anomalies; CHARGE association; Hall-Hittner syndrome. Identifiers: Orphanet 138, MedGen C0265354, MONDO:0008965.

Submission:

Labcorp Genetics (formerly Invitae), Labcorp
Classification: Pathogenic for CHARGE syndrome. Last evaluated: 2023-09-29. Review status: criteria provided, single submitter. Criteria: Invitae Variant Classification Sherloc (09022015). Collection method: clinical testing. Allele origin: germline.
Comment: This sequence change creates a premature translational stop signal (p.Glu2644Lysfs*7) in the CHD7 gene. It is expected to result in an absent or disrupted protein product. Loss-of-function variants in CHD7 are known to be pathogenic (PMID: 22461308, 25077900). For these reasons, this variant has been classified as Pathogenic. This variant has not been reported in the literature in individuals affected with CHD7-related conditions. This variant is not present in population databases (gnomAD no frequency).

Literature cited by the submitters: PubMed 22461308; PubMed 25077900.